The following is an entry in ClinVar:

ClinVar aggregate classification (germline): Uncertain significance (1 of 4 stars; one submission).

Conditions:
Inborn genetic diseases. Identifiers: MedGen C0950123, MeSH D030342.

Submission:

Ambry Genetics
Classification: Uncertain significance for Inborn genetic diseases. Last evaluated: 2024-12-17. Review status: criteria provided, single submitter. Criteria: Ambry Variant Classification Scheme 2023. Collection method: clinical testing. Allele origin: germline.
Comment: The p.A1216G variant (also known as c.3647C>G), located in coding exon 37 of the FANCA gene, results from a C to G substitution at nucleotide position 3647. The alanine at codon 1216 is replaced by glycine, an amino acid with similar properties. This amino acid position is conserved. In addition, this alteration is predicted to be tolerated by in silico analysis. Based on the available evidence, the clinical significance of this variant remains unclear.

NM_000135.4(FANCA):c.3647C>G (p.Ala1216Gly)

Gene: FANCA (FA complementation group A; minus strand). Cytogenetic location: 16q24.3.
Variant type: single nucleotide variant.
Coding change: c.3647C>G on transcript NM_000135.4 (MANE Select); coding-DNA position 3647, C replaced by G.
Protein change: p.Ala1216Gly; replaces alanine 1216 with glycine.
Molecular consequence: missense variant.
Genome position (GRCh38, 1-based): chr16:89,742,918, G>C on the plus strand (C>G on the coding strand, the complement: FANCA is on the minus strand). VCF-style: chr16-89742918-G-C. GRCh37 (hg19) VCF-style: chr16-89809326-G-C.
Other names: c.3647C>G, p.Ala1216Gly (NM_001286167.3); short protein forms A1216G.
Identifiers: ClinVar variation 3848033 (VCV003848033.1).
Genomic context (GRCh38, chr16:89,742,918, plus strand): 5'-TGTTGAATCGCAAAGTGCAGTGCAGCAGCTGAGAGCCAGTCCGGGTTGGGTGCTGGGGAG[G>C]CAGCCTCAGGGGAGAGGAAACTGGGACAGAGAGAACGGGGTCATTGCAGGGCCTTACAAC-3'
Protein context (NP_000126.2, residues 1206-1226): FASDFLSPEA[Ala1216Gly]SPAPNPDWLS